The following is an entry in ClinVar:

ClinVar aggregate classification (germline): Conflicting classifications of pathogenicity. Review status: criteria provided, conflicting classifications (1 of 4 stars). 5 submissions from 5 submitters: Uncertain significance (1); Benign (1); Likely benign (2). 1 of the submissions does not count toward it. Last evaluated 2026-01-27.

Conditions:
Inborn genetic diseases. Identifiers: MedGen C0950123, MeSH D030342.
COL13A1-related disorder. Also called: COL13A1-related condition.

Allele frequency attached by ClinVar (database versions not stated): ExAC 0.00048; 1000 Genomes Project 30x 0.00094; TOPMed 0.00141; gnomAD 0.00143 and 0.00159; gnomAD exomes 0.00016.
gnomAD v4.1: 376 of 1,525,924 alleles (0.025%); highest among the groups gnomAD compares: African/African-American, 0.51%; no homozygotes.

Submissions (5):

Labcorp Genetics (formerly Invitae), Labcorp
Classification: Likely benign. Last evaluated: 2026-01-27. Review status: criteria provided, single submitter. Criteria: Invitae Variant Classification Sherloc (09022015). Collection method: clinical testing. Allele origin: germline.

Ambry Genetics
Classification: Uncertain significance for Inborn genetic diseases. Last evaluated: 2025-12-04. Review status: criteria provided, single submitter. Criteria: Ambry Variant Classification Scheme 2023. Collection method: clinical testing. Allele origin: germline.

Mayo Clinic Laboratories, Mayo Clinic
Classification: Benign. Last evaluated: 2025-05-16. Review status: criteria provided, single submitter. Criteria: ACMG Guidelines, 2015. Collection method: clinical testing. Allele origin: germline. Observed: 1 variant allele.
Comment: BA1

Breakthrough Genomics
Classification: Likely benign. Review status: criteria provided, single submitter. Criteria: ACMG Guidelines, 2015. Collection method: not provided. Allele origin: germline. Inheritance: Autosomal recessive inheritance. Affected: yes.

PreventionGenetics, part of Exact Sciences
Classification: Likely benign for COL13A1-related condition. Last evaluated: 2021-01-05. Review status: no assertion criteria provided. Collection method: clinical testing. Allele origin: germline. Not counted in ClinVar's aggregate classification.
Comment: This variant is classified as likely benign based on ACMG/AMP sequence variant interpretation guidelines (Richards et al. 2015 PMID: 25741868, with internal and published modifications).

NM_001368882.1(COL13A1):c.67C>A (p.Pro23Thr)

Gene: COL13A1 (collagen type XIII alpha 1 chain; plus strand). Cytogenetic location: 10q22.1.
Variant type: single nucleotide variant.
Coding change: c.67C>A on transcript NM_001368882.1 (MANE Select); coding-DNA position 67, C replaced by A.
Protein change: p.Pro23Thr; replaces proline 23 with threonine.
Molecular consequence: missense variant. On other transcripts: 5 prime UTR variant (1).
Genome position (GRCh38, 1-based): chr10:69,802,490, C>A. VCF-style: chr10-69802490-C-A. GRCh37 (hg19) VCF-style: chr10-71562246-C-A.
Other names: p.Pro23Thr; c.67C>A, p.Pro23Thr (NM_001130103.2, NM_001320951.2, NM_001368883.1 and 11 more transcripts); c.-587C>A (NM_001368886.1); short protein forms P23T.
Identifiers: ClinVar variation 709699 (VCV000709699.15), dbSNP rs774661219, ClinGen allele CA5533973.
Genomic context (GRCh38, chr10:69,802,490, plus strand): 5'-GCGGAGCGCACCCACAAAGCGGCAGCCACCGGTGCCCGCGGCCCTGGGGAGTTGGGCGCG[C>A]CCGGGACGGTGGCTCTGGTGGCGGCGCGGGCGGAGCGCGGCGCACGGCTGCCGAGTCCAG-3'
Protein context (NP_001355811.1, residues 13-33): GARGPGELGA[Pro23Thr]GTVALVAARA